The following is an entry in ClinVar:

ClinVar aggregate classification (germline): Pathogenic (1 of 4 stars; one submission).

Submission:

Labcorp Genetics (formerly Invitae), Labcorp
Classification: Pathogenic. Last evaluated: 2024-09-15. Review status: criteria provided, single submitter. Criteria: Invitae Variant Classification Sherloc (09022015). Collection method: clinical testing. Allele origin: germline.
Comment: This sequence change creates a premature translational stop signal (p.Glu467Glyfs*17) in the PHEX gene. It is expected to result in an absent or disrupted protein product. Loss-of-function variants in PHEX are known to be pathogenic (PMID: 9097956, 9106524, 19219621). This variant is not present in population databases (gnomAD no frequency). This premature translational stop signal has been observed in individual(s) with X-linked hypophosphatemia (internal data). ClinVar contains an entry for this variant (Variation ID: 845434). For these reasons, this variant has been classified as Pathogenic.

Literature cited by the submitters: PubMed 9097956; PubMed 9106524; PubMed 19219621.

NM_000444.6(PHEX):c.1400_1404del (p.Glu467fs)

Gene: PHEX (phosphate regulating endopeptidase X-linked; plus strand). Cytogenetic location: Xp22.11.
Variant type: Deletion.
Coding change: c.1400_1404del on transcript NM_000444.6 (MANE Select); coding-DNA positions 1400 to 1404, 5 bases deleted (AAAAG; older notation c.1400_1404delAAAAG).
Protein change: p.Glu467fs; shifts the reading frame from glutamic acid 467.
Molecular consequence: frameshift variant.
Genome position (GRCh38, 1-based): chrX:22,133,620-22,133,624, AAAAG deleted; deleting any 5 consecutive bases within chrX:22,133,616-22,133,624 gives the same sequence; the c. name uses the placement nearest the transcript's 3' end. VCF-style (leftmost placement, unchanged base first): chrX-22133615-CAAAGA-C. GRCh37 (hg19) VCF-style: chrX-22151732-CAAAGA-C.
Other names: c.1400_1404del, p.Glu467fs (NM_001282754.2); short protein forms E467fs.
Identifiers: ClinVar variation 845434 (VCV000845434.7), dbSNP rs1932109848, ClinGen allele CA916083858.